The following is an entry in ClinVar:

NM_002241.5(KCNJ10):c.142C>T (p.Arg48Cys)

Gene: KCNJ10 (potassium inwardly rectifying channel subfamily J member 10; minus strand). Cytogenetic location: 1q23.2.
Variant type: single nucleotide variant.
Coding change: c.142C>T on transcript NM_002241.5 (MANE Select); coding-DNA position 142, C replaced by T.
Protein change: p.Arg48Cys; replaces arginine 48 with cysteine.
Molecular consequence: missense variant.
Genome position (GRCh38, 1-based): chr1:160,042,391, G>A on the plus strand (C>T on the coding strand, the complement: KCNJ10 is on the minus strand). VCF-style: chr1-160042391-G-A. GRCh37 (hg19) VCF-style: chr1-160012181-G-A.
Other names: short protein forms R48C.
Identifiers: ClinVar variation 964546 (VCV000964546.13), dbSNP rs754056344, ClinGen allele CA1193289.

ClinVar aggregate classification (germline): Uncertain significance. Review status: criteria provided, multiple submitters, no conflicts (2 of 4 stars). 2 submissions from 2 submitters: Uncertain significance (2). Last evaluated 2025-04-02.

Conditions:
EAST syndrome (SESAMES). Also called: SEIZURES, SENSORINEURAL DEAFNESS, ATAXIA, IMPAIRED INTELLECTUAL DEVELOPMENT, AND ELECTROLYTE IMBALANCE. Identifiers: Orphanet 199343, MedGen C2748572, MONDO:0013005, OMIM 612780.

Allele frequency attached by ClinVar (database versions not stated): ExAC 0.00001; gnomAD 0.00001; gnomAD exomes 0.00001; TOPMed 0.00002.
gnomAD v4.1: 14 of 1,614,002 alleles (0.00087%); highest among the groups gnomAD compares: South Asian, 0.0055%; no homozygotes.

Submissions (2):

Labcorp Genetics (formerly Invitae), Labcorp
Classification: Uncertain significance for EAST syndrome. Last evaluated: 2025-04-02. Review status: criteria provided, single submitter. Criteria: Invitae Variant Classification Sherloc (09022015). Collection method: clinical testing. Allele origin: germline.
Comment: This sequence change replaces arginine, which is basic and polar, with cysteine, which is neutral and slightly polar, at codon 48 of the KCNJ10 protein (p.Arg48Cys). This variant is present in population databases (rs754056344, gnomAD 0.006%). This variant has not been reported in the literature in individuals affected with KCNJ10-related conditions. ClinVar contains an entry for this variant (Variation ID: 964546). Invitae Evidence Modeling of protein sequence and biophysical properties (such as structural, functional, and spatial information, amino acid conservation, physicochemical variation, residue mobility, and thermodynamic stability) indicates that this missense variant is not expected to disrupt KCNJ10 protein function with a negative predictive value of 95%. In summary, the available evidence is currently insufficient to determine the role of this variant in disease. Therefore, it has been classified as a Variant of Uncertain Significance.

GeneDx
Classification: Uncertain significance. Last evaluated: 2020-01-15. Review status: criteria provided, single submitter. Criteria: GeneDx Variant Classification Process June 2021. Collection method: clinical testing. Allele origin: germline. Affected: yes.
Comment: Not observed at a significant frequency in large population cohorts (Lek et al., 2016); In silico analysis, which includes protein predictors and evolutionary conservation, supports that this variant does not alter protein structure/function; Has not been previously published as pathogenic or benign to our knowledge